The following is an entry in ClinVar:

ClinVar aggregate classification (germline): Uncertain significance (1 of 4 stars; one submission).

Conditions:
Leigh syndrome (NULS). Also called: Leigh's necrotizing encephalopathy; Leigh's disease; Leigh Syndrome (mtDNA deletion); Leigh Disease; Subacute necrotizing encephalopathy; Necrotizing encephalopathy infantile subacute of Leigh. Identifiers: Orphanet 506, MedGen C2931891, MONDO:0009723, OMIM 256000.

Submission:

Wong Mito Lab, Molecular and Human Genetics, Baylor College of Medicine
Classification: Uncertain significance for Leigh syndrome. Last evaluated: 2019-10-17. Review status: criteria provided, single submitter. Criteria: Modified ACMG Guidelines (Unpublished). Collection method: clinical testing. Allele origin: germline.
Comment: The NC_012920.1:m.4211T>C (YP_003024026.1:p.Met302Thr) variant in MTND1 gene is interpretated to be a Uncertain Significance variant based on the modified ACMG guidelines (unpublished). This variant meets the following evidence codes: PP7

NC_012920.1(MT-ND1):m.4211T>C

Gene: MT-ND1 (mitochondrially encoded NADH dehydrogenase 1; plus strand).
Variant type: single nucleotide variant.
Genome position: chrM-4211-T-C.
Identifiers: ClinVar variation 692435 (VCV000692435.1), dbSNP rs1603219356, ClinGen allele CA414774429.